The following is an entry in ClinVar:

ClinVar aggregate classification (germline): Uncertain significance (1 of 4 stars; one submission).

Submission:

Dasa
Classification: Uncertain significance. Last evaluated: 2025-10-14. Review status: criteria provided, single submitter. Criteria: DASA Assertion Criteria. Collection method: clinical testing. Allele origin: germline.
Comment: NM_007118.4(TRIO):c.2391+9C>T is a splice-region variant. This variant is absent from population databases. Computational prediction algorithms are consistent with a benign effect. The currently available literature and clinical evidence are not sufficient to establish a definitive association between this variant and the reported condition. Therefore, this variant is classified as a variant of uncertain significance.

NM_007118.4(TRIO):c.2391+9C>T

Gene: TRIO (trio Rho guanine nucleotide exchange factor; plus strand). Cytogenetic location: 5p15.2.
Variant type: single nucleotide variant.
Coding change: c.2391+9C>T on transcript NM_007118.4 (MANE Select); 9 bases into the intron after coding-DNA position 2391, C replaced by T.
Molecular consequence: intron variant.
Genome position (GRCh38, 1-based): chr5:14,359,540, C>T. VCF-style: chr5-14359540-C-T. GRCh37 (hg19) VCF-style: chr5-14359649-C-T.
Identifiers: ClinVar variation 4884922 (VCV004884922.2).